The following is an entry in ClinVar:

NM_001363711.2(DUOX2):c.2813C>T (p.Thr938Met)

Gene: DUOX2 (dual oxidase 2; minus strand). Cytogenetic location: 15q21.1.
Variant type: single nucleotide variant.
Coding change: c.2813C>T on transcript NM_001363711.2 (MANE Select); coding-DNA position 2813, C replaced by T.
Protein change: p.Thr938Met; replaces threonine 938 with methionine.
Molecular consequence: missense variant.
Genome position (GRCh38, 1-based): chr15:45,101,831, G>A on the plus strand (C>T on the coding strand, the complement: DUOX2 is on the minus strand). VCF-style: chr15-45101831-G-A. GRCh37 (hg19) VCF-style: chr15-45394029-G-A.
Other names: c.2813C>T, p.Thr938Met (NM_014080.5); short protein forms T938M.
Identifiers: ClinVar variation 4754020 (VCV004754020.1).

ClinVar aggregate classification (germline): Uncertain significance (1 of 4 stars; one submission).

gnomAD v4.1: 17 of 1,614,192 alleles (0.0011%); highest among the groups gnomAD compares: Non-Finnish European, 0.0012%; no homozygotes.

Submission:

Labcorp Genetics (formerly Invitae), Labcorp
Classification: Uncertain significance. Last evaluated: 2025-12-10. Review status: criteria provided, single submitter. Criteria: Invitae Variant Classification Sherloc (09022015). Collection method: clinical testing. Allele origin: germline.
Comment: This sequence change replaces threonine, which is neutral and polar, with methionine, which is neutral and non-polar, at codon 938 of the DUOX2 protein (p.Thr938Met). This variant is not present in population databases (gnomAD no frequency). This variant has not been reported in the literature in individuals affected with DUOX2-related conditions. Invitae Evidence Modeling of protein sequence and biophysical properties (such as structural, functional, and spatial information, amino acid conservation, physicochemical variation, residue mobility, and thermodynamic stability) indicates that this missense variant is not expected to disrupt DUOX2 protein function with a negative predictive value of 80%. In summary, the available evidence is currently insufficient to determine the role of this variant in disease. Therefore, it has been classified as a Variant of Uncertain Significance.